The following is an entry in ClinVar:

NM_000256.3(MYBPC3):c.268T>C (p.Phe90Leu)

Gene: MYBPC3 (myosin binding protein C3; minus strand). Cytogenetic location: 11p11.2.
Variant type: single nucleotide variant.
Coding change: c.268T>C on transcript NM_000256.3 (MANE Select); coding-DNA position 268, T replaced by C.
Protein change: p.Phe90Leu; replaces phenylalanine 90 with leucine.
Molecular consequence: missense variant.
Genome position (GRCh38, 1-based): chr11:47,351,263, A>G on the plus strand (T>C on the coding strand, the complement: MYBPC3 is on the minus strand). VCF-style: chr11-47351263-A-G. GRCh37 (hg19) VCF-style: chr11-47372814-A-G.
Other names: short protein forms F90L.
Identifiers: ClinVar variation 919785 (VCV000919785.5), dbSNP rs2095900572, ClinGen allele CA380341512.
Genomic context (GRCh38, chr11:47,351,263, plus strand): 5'-AGCCCAAACCTCAGGGAAGGCTGATCAGGATCTTACCTGCCTCTATGACCTTGAGGTCGA[A>G]CTTGACCTTGGAGGAGCCAGCAATGACTGCGTAAGATCCCTGGTCGGCAGGGCCCACTTC-3'
Protein context (NP_000247.2, residues 80-100): AVIAGSSKVK[Phe90Leu]DLKVIEAEKA

ClinVar aggregate classification (germline): Uncertain significance (1 of 4 stars; one submission).

Conditions:
Cardiomyopathy (CMYO). Also called: Cardiomyopathies. Identifiers: Orphanet 167848, MedGen C0878544, MONDO:0004994, HP:0001638. Inheritance: Various modes of inheritance.

Submission:

Color Diagnostics, LLC DBA Color Health
Classification: Uncertain significance for Cardiomyopathy. Last evaluated: 2023-12-04. Review status: criteria provided, single submitter. Criteria: ACMG Guidelines, 2015. Collection method: clinical testing. Allele origin: germline.
Comment: Variant of Uncertain Significance due to insufficient evidence: This missense variant is located in the Ig-like domain C0 of the MYBPC3 protein. Computational prediction tools and conservation analyses are inconclusive regarding the impact of this variant on the protein function. Computational splicing tools suggest that this variant may not impact RNA splicing. To our knowledge, functional assays have not been performed for this variant nor has this variant been reported in individuals affected with cardiovascular disorders in the literature. This variant is rare in the general population and has been identified in 0/277264 chromosomes by the Genome Aggregation Database (gnomAD). Available evidence is insufficient to determine the pathogenicity of this variant conclusively.